The following is an entry in ClinVar:

NM_183357.3(ADCY5):c.215G>A (p.Arg72His)

Gene: ADCY5 (adenylate cyclase 5; minus strand). Cytogenetic location: 3q21.1.
Variant type: single nucleotide variant.
Coding change: c.215G>A on transcript NM_183357.3 (MANE Select); coding-DNA position 215, G replaced by A.
Protein change: p.Arg72His; replaces arginine 72 with histidine.
Molecular consequence: missense variant.
Genome position (GRCh38, 1-based): chr3:123,448,331, C>T on the plus strand (G>A on the coding strand, the complement: ADCY5 is on the minus strand). VCF-style: chr3-123448331-C-T. GRCh37 (hg19) VCF-style: chr3-123167178-C-T.
Other names: c.215G>A, p.Arg72His (NM_001378259.1); short protein forms R72H.
Identifiers: ClinVar variation 3900356 (VCV003900356.3).

ClinVar aggregate classification (germline): Uncertain significance. Review status: criteria provided, multiple submitters, no conflicts (2 of 4 stars). 2 submissions from 2 submitters: Uncertain significance (2). Last evaluated 2025-09-23.

gnomAD v4.1: 2 of 1,533,650 alleles (0.00013%); highest among the groups gnomAD compares: South Asian, 0.0012%; no homozygotes.

Submissions (2):

Dasa
Classification: Uncertain significance. Last evaluated: 2025-09-23. Review status: criteria provided, single submitter. Criteria: DASA Assertion Criteria. Collection method: clinical testing. Allele origin: germline.
Comment: NM_183357.3(ADCY5):c.215G>A (p.Arg72His) is a missense variant that results in the substitution of arginine with histidine. This variant is rare in population databases. The currently available literature and clinical evidence are not sufficient to establish a definitive association between this variant and the reported condition. Therefore, this variant is classified as a variant of uncertain significance.

GeneDx
Classification: Uncertain significance. Last evaluated: 2024-11-13. Review status: criteria provided, single submitter. Criteria: GeneDx Variant Classification Process June 2021. Collection method: clinical testing. Allele origin: germline. Affected: yes.
Comment: Not observed at significant frequency in large population cohorts (gnomAD); In silico analysis indicates that this missense variant does not alter protein structure/function; Has not been previously published as pathogenic or benign to our knowledge